The following is an entry in ClinVar:

ClinVar aggregate classification (germline): Uncertain significance (1 of 4 stars; one submission).

Conditions:
Inborn genetic diseases. Identifiers: MedGen C0950123, MeSH D030342.

Allele frequency attached by ClinVar (database versions not stated): ExAC 0.00001; gnomAD 0.00001; gnomAD exomes 0.00002; 1000 Genomes Project 30x 0.00016; 1000 Genomes Project 0.00020.
gnomAD v4.1: 23 of 1,614,178 alleles (0.0014%); highest among the groups gnomAD compares: Non-Finnish European, 0.0019%; no homozygotes.

Submission:

Ambry Genetics
Classification: Uncertain significance for Inborn genetic diseases. Last evaluated: 2021-07-16. Review status: criteria provided, single submitter. Criteria: Ambry Variant Classification Scheme 2023. Collection method: clinical testing. Allele origin: germline.
Comment: The p.V2522F variant (also known as c.7564G>T), located in coding exon 24 of the SETX gene, results from a G to T substitution at nucleotide position 7564. The valine at codon 2522 is replaced by phenylalanine, an amino acid with highly similar properties. This amino acid position is conserved. In addition, the in silico prediction for this alteration is inconclusive. Since supporting evidence is limited at this time, the clinical significance of this alteration remains unclear.

NM_015046.7(SETX):c.7564G>T (p.Val2522Phe)

Gene: SETX (senataxin; minus strand). Cytogenetic location: 9q34.13.
Variant type: single nucleotide variant.
Coding change: c.7564G>T on transcript NM_015046.7 (MANE Select); coding-DNA position 7564, G replaced by T.
Protein change: p.Val2522Phe; replaces valine 2522 with phenylalanine.
Molecular consequence: missense variant.
Genome position (GRCh38, 1-based): chr9:132,264,709, C>A on the plus strand (G>T on the coding strand, the complement: SETX is on the minus strand). VCF-style: chr9-132264709-C-A. GRCh37 (hg19) VCF-style: chr9-135140096-C-A.
Other names: c.7564G>T, p.Val2522Phe (NM_001351527.2); c.7651G>T, p.Val2551Phe (NM_001351528.2); short protein forms V2551F, V2522F.
Identifiers: ClinVar variation 1759539 (VCV001759539.2), dbSNP rs539045769, ClinGen allele CA5296370.
Genomic context (GRCh38, chr9:132,264,709, plus strand): 5'-GCAGTCGTGGGTCCTGAAGTTGGTCATGAACAGGAGGTCTTTCAGGGTCCTTTGAAGTAA[C>A]AGTAAGAGTAATTTCCTTGGAGTCAGAGGGTGTGTGGTATAGAGAAGCAGCAACAGATGT-3'
Protein context (NP_055861.3, residues 2512-2532): PSDSKEITLT[Val2522Phe]TSKDPERPPV